The following is an entry in ClinVar:

NM_053025.4(MYLK):c.3782T>G (p.Val1261Gly)

Gene: MYLK (myosin light chain kinase; minus strand). Cytogenetic location: 3q21.1.
Variant type: single nucleotide variant.
Coding change: c.3782T>G on transcript NM_053025.4 (MANE Select); coding-DNA position 3782, T replaced by G.
Protein change: p.Val1261Gly; replaces valine 1261 with glycine.
Molecular consequence: missense variant.
Genome position (GRCh38, 1-based): chr3:123,666,268, A>C on the plus strand (T>G on the coding strand, the complement: MYLK is on the minus strand). VCF-style: chr3-123666268-A-C. GRCh37 (hg19) VCF-style: chr3-123385115-A-C.
Other names: c.3254T>G, p.Val1085Gly (NM_001321309.2); c.3575T>G, p.Val1192Gly (NM_053026.4, NM_053028.4); c.3782T>G, p.Val1261Gly (NM_053027.4); short protein forms V1085G, V1192G, V1261G.
Identifiers: ClinVar variation 1503962 (VCV001503962.6), dbSNP rs2108339820, ClinGen allele CA354230414.

ClinVar aggregate classification (germline): Uncertain significance (1 of 4 stars; one submission).

Conditions:
Aortic aneurysm, familial thoracic 7 (AAT7). Also called: AORTIC DISSECTION, FAMILIAL, WITH OR WITHOUT AORTIC ANEURYSM. Identifiers: MedGen C3151077, MONDO:0013418, OMIM 613780.

Submission:

Labcorp Genetics (formerly Invitae), Labcorp
Classification: Uncertain significance for Aortic aneurysm, familial thoracic 7. Last evaluated: 2021-12-23. Review status: criteria provided, single submitter. Criteria: Invitae Variant Classification Sherloc (09022015). Collection method: clinical testing. Allele origin: germline.
Comment: This sequence change replaces valine, which is neutral and non-polar, with glycine, which is neutral and non-polar, at codon 1261 of the MYLK protein (p.Val1261Gly). In summary, the available evidence is currently insufficient to determine the role of this variant in disease. Therefore, it has been classified as a Variant of Uncertain Significance. Advanced modeling of protein sequence and biophysical properties (such as structural, functional, and spatial information, amino acid conservation, physicochemical variation, residue mobility, and thermodynamic stability) performed at Invitae indicates that this missense variant is not expected to disrupt MYLK protein function. This variant has not been reported in the literature in individuals affected with MYLK-related conditions. This variant is not present in population databases (gnomAD no frequency).